The following is an entry in ClinVar:

NM_002250.3(KCNN4):c.950G>A (p.Arg317Gln)

Gene: KCNN4 (potassium calcium-activated channel subfamily N member 4; minus strand). Cytogenetic location: 19q13.31.
Variant type: single nucleotide variant.
Coding change: c.950G>A on transcript NM_002250.3 (MANE Select); coding-DNA position 950, G replaced by A.
Protein change: p.Arg317Gln; replaces arginine 317 with glutamine.
Molecular consequence: missense variant.
Genome position (GRCh38, 1-based): chr19:43,769,541, C>T on the plus strand (G>A on the coding strand, the complement: KCNN4 is on the minus strand). VCF-style: chr19-43769541-C-T. GRCh37 (hg19) VCF-style: chr19-44273693-C-T.
Other names: short protein forms R317Q.
Identifiers: ClinVar variation 2054915 (VCV002054915.4), dbSNP rs146286980, ClinGen allele CA9491854.

ClinVar aggregate classification (germline): Uncertain significance (1 of 4 stars; one submission).

Allele frequency attached by ClinVar (database versions not stated): gnomAD exomes 0.00003; ExAC 0.00012; gnomAD 0.00029; ESP Exome Variant Server 0.00031.

Submission:

Labcorp Genetics (formerly Invitae), Labcorp
Classification: Uncertain significance. Last evaluated: 2025-08-04. Review status: criteria provided, single submitter. Criteria: Invitae Variant Classification Sherloc (09022015). Collection method: clinical testing. Allele origin: germline.
Comment: This sequence change replaces arginine, which is basic and polar, with glutamine, which is neutral and polar, at codon 317 of the KCNN4 protein (p.Arg317Gln). This variant is present in population databases (rs146286980, gnomAD 0.07%), and has an allele count higher than expected for a pathogenic variant. This variant has not been reported in the literature in individuals affected with KCNN4-related conditions. ClinVar contains an entry for this variant (Variation ID: 2054915). Invitae Evidence Modeling of protein sequence and biophysical properties (such as structural, functional, and spatial information, amino acid conservation, physicochemical variation, residue mobility, and thermodynamic stability) indicates that this missense variant is not expected to disrupt KCNN4 protein function with a negative predictive value of 80%. In summary, the available evidence is currently insufficient to determine the role of this variant in disease. Therefore, it has been classified as a Variant of Uncertain Significance.